The following is an entry in ClinVar:

ClinVar aggregate classification (germline): Likely benign (1 of 4 stars; one submission).

Allele frequency attached by ClinVar (database versions not stated): ExAC 0.00001; gnomAD exomes 0.00001; gnomAD 0.00002; TOPMed 0.00003.
gnomAD v4.1: 15 of 1,610,310 alleles (0.00093%); highest among the groups gnomAD compares: Non-Finnish European, 0.0013%; no homozygotes.

Submission:

CeGaT Center for Human Genetics Tuebingen
Classification: Likely benign. Last evaluated: 2022-07-01. Review status: criteria provided, single submitter. Criteria: CeGaT Center For Human Genetics Tuebingen Variant Classification Criteria Version 2. Collection method: clinical testing. Allele origin: germline. Affected: yes. Observed: 1 variant allele.
Comment: CNNM2: BP4, BP7

NM_017649.5(CNNM2):c.678C>T (p.Pro226=)

Gene: CNNM2 (cyclin and CBS domain divalent metal cation transport mediator 2; plus strand). Cytogenetic location: 10q24.32.
Variant type: single nucleotide variant.
Coding change: c.678C>T on transcript NM_017649.5 (MANE Select); coding-DNA position 678, C replaced by T.
Protein change: p.Pro226=; no amino-acid change (proline 226 retained).
Molecular consequence: synonymous variant.
Genome position (GRCh38, 1-based): chr10:102,919,158, C>T. VCF-style: chr10-102919158-C-T. GRCh37 (hg19) VCF-style: chr10-104678915-C-T.
Other names: c.678C>T, p.Pro226= (NM_199076.3, NM_199077.3).
Identifiers: ClinVar variation 2640797 (VCV002640797.24), dbSNP rs778337483, ClinGen allele CA5670308.